The following is an entry in ClinVar:

NM_017849.4(TMEM127):c.565C>G (p.Leu189Val)

Gene: TMEM127 (transmembrane protein 127; minus strand). Cytogenetic location: 2q11.2.
Variant type: single nucleotide variant.
Coding change: c.565C>G on transcript NM_017849.4 (MANE Select); coding-DNA position 565, C replaced by G.
Protein change: p.Leu189Val; replaces leucine 189 with valine.
Molecular consequence: missense variant.
Genome position (GRCh38, 1-based): chr2:96,253,960, G>C on the plus strand (C>G on the coding strand, the complement: TMEM127 is on the minus strand). VCF-style: chr2-96253960-G-C. GRCh37 (hg19) VCF-style: chr2-96919698-G-C.
Other names: c.565C>G, p.Leu189Val (NM_001193304.3); short protein forms L189V.
Identifiers: ClinVar variation 566585 (VCV000566585.13), dbSNP rs146965678, ClinGen allele CA1777280.

ClinVar aggregate classification (germline): Uncertain significance. Review status: criteria provided, multiple submitters, no conflicts (2 of 4 stars). 2 submissions from 2 submitters: Uncertain significance (2). Last evaluated 2025-12-21.

Conditions:
Hereditary cancer-predisposing syndrome. Also called: Neoplastic Syndromes, Hereditary; Hereditary Cancer Syndrome; Tumor predisposition; Hereditary neoplastic syndrome. Identifiers: Orphanet 140162, MedGen C0027672, MeSH D009386, MONDO:0015356.
Hereditary pheochromocytoma and paraganglioma. Also called: Hereditary Paraganglioma-Pheochromocytoma Syndromes; Hereditary paragangliomas and pheochromocytomas; Hereditary pheochromocytoma-paraganglioma. Identifiers: Orphanet 29072, MedGen C4274332, MONDO:0017366.

Allele frequency attached by ClinVar (database versions not stated): TOPMed 0.00001.
gnomAD v4.1: 11 of 1,614,060 alleles (0.00068%); highest among the groups gnomAD compares: Non-Finnish European, 0.00093%; no homozygotes.

Submissions (2):

Labcorp Genetics (formerly Invitae), Labcorp
Classification: Uncertain significance for Hereditary pheochromocytoma and paraganglioma. Last evaluated: 2025-12-21. Review status: criteria provided, single submitter. Criteria: Invitae Variant Classification Sherloc (09022015). Collection method: clinical testing. Allele origin: germline.
Comment: This sequence change replaces leucine, which is neutral and non-polar, with valine, which is neutral and non-polar, at codon 189 of the TMEM127 protein (p.Leu189Val). This variant is present in population databases (rs146965678, gnomAD 0.0009%). This variant has not been reported in the literature in individuals affected with TMEM127-related conditions. ClinVar contains an entry for this variant (Variation ID: 566585). An algorithm developed to predict the effect of missense changes on protein structure and function (PolyPhen-2) suggests that this variant is likely to be disruptive. In summary, the available evidence is currently insufficient to determine the role of this variant in disease. Therefore, it has been classified as a Variant of Uncertain Significance.

Ambry Genetics
Classification: Uncertain significance for Hereditary cancer-predisposing syndrome. Last evaluated: 2025-10-23. Review status: criteria provided, single submitter. Criteria: Ambry Variant Classification Scheme 2023. Collection method: clinical testing. Allele origin: germline.
Comment: The p.L189V variant (also known as c.565C>G), located in coding exon 3 of the TMEM127 gene, results from a C to G substitution at nucleotide position 565. The leucine at codon 189 is replaced by valine, an amino acid with highly similar properties. This amino acid position is highly conserved in available vertebrate species. In addition, the in silico prediction for this alteration is inconclusive. Since supporting evidence is limited at this time, the clinical significance of this alteration remains unclear.